The following is an entry in ClinVar:

ClinVar aggregate classification (germline): Uncertain significance (1 of 4 stars; one submission).

gnomAD v4.1: 1 of 1,614,164 alleles (0.000062%); highest among the groups gnomAD compares: South Asian, 0.0011%; no homozygotes.

Submission:

Labcorp Genetics (formerly Invitae), Labcorp
Classification: Uncertain significance. Last evaluated: 2024-07-05. Review status: criteria provided, single submitter. Criteria: Invitae Variant Classification Sherloc (09022015). Collection method: clinical testing. Allele origin: germline.
Comment: This sequence change replaces glutamic acid, which is acidic and polar, with lysine, which is basic and polar, at codon 176 of the DDX58 protein (p.Glu176Lys). This variant is present in population databases (rs763037151, gnomAD 0.003%). This variant has not been reported in the literature in individuals affected with DDX58-related conditions. An algorithm developed to predict the effect of missense changes on protein structure and function (PolyPhen-2) suggests that this variant is likely to be tolerated. In summary, the available evidence is currently insufficient to determine the role of this variant in disease. Therefore, it has been classified as a Variant of Uncertain Significance.

NM_014314.4(RIGI):c.526G>A (p.Glu176Lys)

Gene: RIGI (RNA sensor RIG-I; minus strand). Cytogenetic location: 9p21.1.
Variant type: single nucleotide variant.
Coding change: c.526G>A on transcript NM_014314.4 (MANE Select); coding-DNA position 526, G replaced by A.
Protein change: p.Glu176Lys; replaces glutamic acid 176 with lysine.
Molecular consequence: missense variant. On other transcripts: intron variant (1).
Genome position (GRCh38, 1-based): chr9:32,492,436, C>T on the plus strand (G>A on the coding strand, the complement: RIGI is on the minus strand). VCF-style: chr9-32492436-C-T. GRCh37 (hg19) VCF-style: chr9-32492434-C-T.
Other names: c.526G>A, p.Glu176Lys (NM_001385907.1, NM_001385909.1); c.85G>A, p.Glu29Lys (NM_001385910.1, NM_001385914.1); c.511G>A, p.Glu171Lys (NM_001385913.1); c.-38-1016G>A (NM_001385912.1); short protein forms E176K, E171K, E29K.
Identifiers: ClinVar variation 2709702 (VCV002709702.3), dbSNP rs763037151, ClinGen allele CA5020058.